The following is an entry in ClinVar:

NM_024675.4(PALB2):c.304G>A (p.Val102Ile)

Gene: PALB2 (partner and localizer of BRCA2; minus strand). Cytogenetic location: 16p12.2.
Variant type: single nucleotide variant.
Coding change: c.304G>A on transcript NM_024675.4 (MANE Select); coding-DNA position 304, G replaced by A.
Protein change: p.Val102Ile; replaces valine 102 with isoleucine.
Molecular consequence: missense variant.
Genome position (GRCh38, 1-based): chr16:23,636,242, C>T on the plus strand (G>A on the coding strand, the complement: PALB2 is on the minus strand). VCF-style: chr16-23636242-C-T. GRCh37 (hg19) VCF-style: chr16-23647563-C-T.
Other names: short protein forms V102I.
Identifiers: ClinVar variation 410149 (VCV000410149.21), dbSNP rs778573607, ClinGen allele CA7963803.

ClinVar aggregate classification (germline): Conflicting classifications of pathogenicity. Review status: criteria provided, conflicting classifications (1 of 4 stars). 7 submissions from 7 submitters: Uncertain significance (3); Likely benign (4). Last evaluated 2026-01-19.

Conditions:
Breast-ovarian cancer, familial, susceptibility to, 5 (BROVCA5). Identifiers: MedGen C5830615, MONDO:0957530, OMIM 620442.
Hereditary cancer-predisposing syndrome. Also called: Hereditary neoplastic syndrome; Tumor predisposition; Hereditary Cancer Syndrome; Neoplastic Syndromes, Hereditary. Identifiers: Orphanet 140162, MedGen C0027672, MeSH D009386, MONDO:0015356.
Familial cancer of breast. Also called: hereditary breast carcinoma; Hereditary breast cancer; BREAST CANCER, FAMILIAL. Identifiers: Orphanet 227535, MedGen C0346153, MONDO:0016419, OMIM 114480. Disease mechanism: loss of function.

Allele frequency attached by ClinVar (database versions not stated): TOPMed below 0.00001; ExAC 0.00002; gnomAD exomes 0.00002.
gnomAD v4.1: 10 of 1,613,914 alleles (0.00062%); highest among the groups gnomAD compares: Admixed American, 0.015%; no homozygotes.

Submissions (7):

Labcorp Genetics (formerly Invitae), Labcorp
Classification: Uncertain significance for Familial cancer of breast. Last evaluated: 2026-01-19. Review status: criteria provided, single submitter. Criteria: Invitae Variant Classification Sherloc (09022015). Collection method: clinical testing. Allele origin: germline.
Comment: This sequence change replaces valine, which is neutral and non-polar, with isoleucine, which is neutral and non-polar, at codon 102 of the PALB2 protein (p.Val102Ile). This variant is present in population databases (rs778573607, gnomAD 0.01%). This variant has not been reported in the literature in individuals affected with PALB2-related conditions. ClinVar contains an entry for this variant (Variation ID: 410149). An algorithm developed to predict the effect of missense changes on protein structure and function outputs the following: PolyPhen-2: "Benign". The isoleucine amino acid residue is found in multiple mammalian species, which suggests that this missense change does not adversely affect protein function. In summary, the available evidence is currently insufficient to determine the role of this variant in disease. Therefore, it has been classified as a Variant of Uncertain Significance.

GeneDx
Classification: Uncertain significance. Last evaluated: 2025-05-20. Review status: criteria provided, single submitter. Criteria: GeneDx Variant Classification Process June 2021. Collection method: clinical testing. Allele origin: germline. Affected: yes.
Comment: In silico analysis suggests that this missense variant does not alter protein structure/function; Has not been previously published as pathogenic or benign to our knowledge; This variant is associated with the following publications: (PMID: 25085752, 31382929, 20871615, 19369211)

Dasa
Classification: Likely benign for Breast-ovarian cancer, familial, susceptibility to, 5. Last evaluated: 2025-05-18. Review status: criteria provided, single submitter. Criteria: DASA Assertion Criteria. Collection method: clinical testing. Allele origin: germline.
Comment: NM_024675.4(PALB2):c.304G>A (p.Val102Ile) is a missense variant that results in the substitution of valine with isoleucine. Population frequency is inconsistent with a disease-causing role for this variant, and the variant context is inconsistent with a known disease-causing mechanism. Therefore, based on the currently available evidence, this variant is classified as likely benign.

Color Diagnostics, LLC DBA Color Health
Classification: Likely benign for Hereditary cancer-predisposing syndrome. Last evaluated: 2024-12-23. Review status: criteria provided, single submitter. Criteria: ACMG Guidelines, 2015. Collection method: clinical testing. Allele origin: germline.

Quest Diagnostics Nichols Institute San Juan Capistrano
Classification: Uncertain significance. Last evaluated: 2024-10-27. Review status: criteria provided, single submitter. Criteria: Quest Diagnostics criteria. Collection method: clinical testing. Allele origin: unknown.
Comment: The PALB2 c.304G>A (p.Val102Ile) variant has not been reported in individuals with PALB2-related conditions in the published literature. The frequency of this variant in the general population, 0.00014 (5/34530 chromosomes (Genome Aggregation Database)), is uninformative in the assessment of its pathogenicity. Analysis of this variant using bioinformatics tools for the prediction of the effect of amino acid changes on protein structure and function yielded predictions that this variant is benign. Based on the available information, we are unable to determine the clinical significance of this variant.

Myriad Genetics, Inc.
Classification: Likely benign for Familial cancer of breast. Last evaluated: 2023-06-02. Review status: criteria provided, single submitter. Criteria: Myriad Autosomal Dominant, Autosomal Recessive and X-Linked Classification Criteria (2023). Collection method: clinical testing. Allele origin: unknown.
Comment: This variant is considered likely benign. This variant is strongly associated with less severe personal and family histories of cancer, typical for individuals without pathogenic variants in this gene [PMID: 25085752].

Ambry Genetics
Classification: Likely benign for Hereditary cancer-predisposing syndrome. Last evaluated: 2022-08-24. Review status: criteria provided, single submitter. Criteria: Ambry Variant Classification Scheme 2023. Collection method: clinical testing. Allele origin: germline.

Literature cited by the submitters: PubMed 25085752 (cited by Myriad Genetics, Inc.).